The following is an entry in ClinVar:

NM_017570.5(OPLAH):c.1561G>A (p.Gly521Arg)

Gene: OPLAH (5-oxoprolinase, ATP-hydrolysing; minus strand). Cytogenetic location: 8q24.3.
Variant type: single nucleotide variant.
Coding change: c.1561G>A on transcript NM_017570.5 (MANE Select); coding-DNA position 1561, G replaced by A.
Protein change: p.Gly521Arg; replaces glycine 521 with arginine.
Molecular consequence: missense variant.
Genome position (GRCh38, 1-based): chr8:144,057,093, C>T on the plus strand (G>A on the coding strand, the complement: OPLAH is on the minus strand). VCF-style: chr8-144057093-C-T. GRCh37 (hg19) VCF-style: chr8-145111996-C-T.
Other names: short protein forms G521R.
Identifiers: ClinVar variation 1989087 (VCV001989087.4), dbSNP rs1372673036, ClinGen allele CA372560487.

ClinVar aggregate classification (germline): Uncertain significance (1 of 4 stars; one submission).

Conditions:
5-Oxoprolinase deficiency (OPLAHD). Also called: 5-OXOPROLINURIA DUE TO 5-OXOPROLINASE DEFICIENCY. Identifiers: Orphanet 33572, MedGen C0268525, MONDO:0009825, OMIM 260005, HP:0040142.

Allele frequency attached by ClinVar (database versions not stated): gnomAD exomes 0.00001; TOPMed 0.00001.
gnomAD v4.1: 4 of 1,602,320 alleles (0.00025%); highest among the groups gnomAD compares: Admixed American, 0.0069%; no homozygotes.

Submission:

Labcorp Genetics (formerly Invitae), Labcorp
Classification: Uncertain significance for 5-Oxoprolinase deficiency. Last evaluated: 2022-05-07. Review status: criteria provided, single submitter. Criteria: Invitae Variant Classification Sherloc (09022015). Collection method: clinical testing. Allele origin: germline.
Comment: In summary, the available evidence is currently insufficient to determine the role of this variant in disease. Therefore, it has been classified as a Variant of Uncertain Significance. Experimental studies and prediction algorithms are not available or were not evaluated, and the functional significance of this variant is currently unknown. This variant has not been reported in the literature in individuals affected with OPLAH-related conditions. This variant is present in population databases (no rsID available, gnomAD 0.01%). This sequence change replaces glycine, which is neutral and non-polar, with arginine, which is basic and polar, at codon 521 of the OPLAH protein (p.Gly521Arg).